The following is an entry in ClinVar:

NM_001371596.2(MFSD8):c.772C>G (p.Gln258Glu)

Gene: MFSD8 (major facilitator superfamily domain containing 8; minus strand). Cytogenetic location: 4q28.2.
Variant type: single nucleotide variant.
Coding change: c.772C>G on transcript NM_001371596.2 (MANE Select); coding-DNA position 772, C replaced by G.
Protein change: p.Gln258Glu; replaces glutamine 258 with glutamic acid.
Molecular consequence: missense variant.
Genome position (GRCh38, 1-based): chr4:127,933,076, G>C on the plus strand (C>G on the coding strand, the complement: MFSD8 is on the minus strand). VCF-style: chr4-127933076-G-C. GRCh37 (hg19) VCF-style: chr4-128854231-G-C.
Other names: c.571C>G, p.Gln191Glu (NM_001363520.3); c.457C>G, p.Gln153Glu (NM_001363521.3); c.637C>G, p.Gln213Glu (NM_001371590.2); c.772C>G, p.Gln258Glu (NM_001371591.2, NM_152778.4); c.778C>G, p.Gln260Glu (NM_001371592.2); c.658C>G, p.Gln220Glu (NM_001371593.2, NM_001410766.1); c.625C>G, p.Gln209Glu (NM_001371594.2); c.490C>G, p.Gln164Glu (NM_001371595.1); and 1 more; short protein forms Q153E, Q164E, Q191E, Q209E, Q213E, Q220E, Q258E, Q260E.
Identifiers: ClinVar variation 1318785 (VCV001318785.5), dbSNP rs976533060, ClinGen allele CA105679852.

ClinVar aggregate classification (germline): Uncertain significance. Review status: criteria provided, multiple submitters, no conflicts (2 of 4 stars). 2 submissions from 2 submitters: Uncertain significance (2). Last evaluated 2022-10-04.

Conditions:
Neuronal ceroid lipofuscinosis 7 (CLN7). Also called: MFSD8-Related Neuronal Ceroid-Lipofuscinosis. Identifiers: Orphanet 168491, Orphanet 228366, MedGen C1838571, MONDO:0012588, OMIM 610951.

Allele frequency attached by ClinVar (database versions not stated): gnomAD exomes 0.00001 and 0.00002; TOPMed 0.00002; gnomAD 0.00005.
gnomAD v4.1: 42 of 1,613,522 alleles (0.0026%); highest among the groups gnomAD compares: Non-Finnish European, 0.0035%; no homozygotes.

Submissions (2):

Labcorp Genetics (formerly Invitae), Labcorp
Classification: Uncertain significance for Neuronal ceroid lipofuscinosis 7. Last evaluated: 2022-10-04. Review status: criteria provided, single submitter. Criteria: Invitae Variant Classification Sherloc (09022015). Collection method: clinical testing. Allele origin: germline.
Comment: This sequence change replaces glutamine, which is neutral and polar, with glutamic acid, which is acidic and polar, at codon 258 of the MFSD8 protein (p.Gln258Glu). This variant is present in population databases (no rsID available, gnomAD 0.002%). This variant has not been reported in the literature in individuals affected with MFSD8-related conditions. ClinVar contains an entry for this variant (Variation ID: 1318785). Advanced modeling of protein sequence and biophysical properties (such as structural, functional, and spatial information, amino acid conservation, physicochemical variation, residue mobility, and thermodynamic stability) performed at Invitae indicates that this missense variant is not expected to disrupt MFSD8 protein function. In summary, the available evidence is currently insufficient to determine the role of this variant in disease. Therefore, it has been classified as a Variant of Uncertain Significance.

GeneDx
Classification: Uncertain significance. Last evaluated: 2020-01-24. Review status: criteria provided, single submitter. Criteria: GeneDx Variant Classification Process June 2021. Collection method: clinical testing. Allele origin: germline. Affected: yes.
Comment: Not observed at a significant frequency in large population cohorts (Lek et al., 2016); In silico analysis, which includes protein predictors and evolutionary conservation, supports that this variant does not alter protein structure/function; Has not been previously published as pathogenic or benign to our knowledge